The following is an entry in ClinVar:

NM_006231.4(POLE):c.1738C>T (p.His580Tyr)

Gene: POLE (DNA polymerase epsilon, catalytic subunit; minus strand). Cytogenetic location: 12q24.33.
Variant type: single nucleotide variant.
Coding change: c.1738C>T on transcript NM_006231.4 (MANE Select); coding-DNA position 1738, C replaced by T.
Protein change: p.His580Tyr; replaces histidine 580 with tyrosine.
Molecular consequence: missense variant.
Genome position (GRCh38, 1-based): chr12:132,672,271, G>A on the plus strand (C>T on the coding strand, the complement: POLE is on the minus strand). VCF-style: chr12-132672271-G-A. GRCh37 (hg19) VCF-style: chr12-133248857-G-A.
Other names: short protein forms H580Y.
Identifiers: ClinVar variation 955320 (VCV000955320.7), dbSNP rs371149234, ClinGen allele CA387356324.

ClinVar aggregate classification (germline): Uncertain significance (1 of 4 stars; one submission).

Conditions:
Colorectal cancer, susceptibility to, 12 (CRCS12). Also called: COLORECTAL CANCER, SUSCEPTIBILITY TO, ON CHROMOSOME 12q24. Identifiers: Orphanet 220460, MedGen C3554460, MONDO:0014038, OMIM 615083.

gnomAD v4.1: 1 of 1,614,210 alleles (0.000062%); highest among the groups gnomAD compares: East Asian, 0.0022%; no homozygotes.

Submission:

Labcorp Genetics (formerly Invitae), Labcorp
Classification: Uncertain significance for Colorectal cancer, susceptibility to, 12. Last evaluated: 2021-09-01. Review status: criteria provided, single submitter. Criteria: Invitae Variant Classification Sherloc (09022015). Collection method: clinical testing. Allele origin: germline.
Comment: This sequence change replaces histidine with tyrosine at codon 580 of the POLE protein (p.His580Tyr). The histidine residue is highly conserved and there is a moderate physicochemical difference between histidine and tyrosine. This variant is not present in population databases (ExAC no frequency). This variant has not been reported in the literature in individuals affected with POLE-related conditions. Algorithms developed to predict the effect of missense changes on protein structure and function (SIFT, PolyPhen-2, Align-GVGD) all suggest that this variant is likely to be tolerated. In summary, the available evidence is currently insufficient to determine the role of this variant in disease. Therefore, it has been classified as a Variant of Uncertain Significance.